The following is an entry in ClinVar:

ClinVar aggregate classification (germline): Uncertain significance (1 of 4 stars; one submission).

Conditions:
Hypertrophic cardiomyopathy. Also called: HYPERTROPHIC MYOCARDIOPATHY. Identifiers: Orphanet 217569, MedGen C0007194, MeSH D002312, MONDO:0005045, HP:0001639.

Submission:

Labcorp Genetics (formerly Invitae), Labcorp
Classification: Uncertain significance for Hypertrophic cardiomyopathy. Last evaluated: 2023-10-23. Review status: criteria provided, single submitter. Criteria: Invitae Variant Classification Sherloc (09022015). Collection method: clinical testing. Allele origin: germline.
Comment: This sequence change falls in intron 20 of the MYH7 gene. It does not directly change the encoded amino acid sequence of the MYH7 protein. This variant is not present in population databases (gnomAD no frequency). This variant has not been reported in the literature in individuals affected with MYH7-related conditions. Algorithms developed to predict the effect of sequence changes on RNA splicing suggest that this variant may disrupt the consensus splice site. In summary, the available evidence is currently insufficient to determine the role of this variant in disease. Therefore, it has been classified as a Variant of Uncertain Significance.

NM_000257.4(MYH7):c.2287-16C>G

Genes: MYH7 (myosin heavy chain 7; minus strand), LOC126861898 (BRD4-independent group 4 enhancer GRCh37_chr14:23893609-23894808; plus strand). Cytogenetic location: 14q11.2.
Variant type: single nucleotide variant.
Coding change: c.2287-16C>G on transcript NM_000257.4 (MANE Select); 16 bases into the intron before coding-DNA position 2287, C replaced by G.
Molecular consequence: intron variant.
Genome position (GRCh38, 1-based): chr14:23,425,434, G>C on the plus strand (C>G on the coding strand, the complement: MYH7 is on the minus strand). VCF-style: chr14-23425434-G-C. GRCh37 (hg19) VCF-style: chr14-23894643-G-C.
Other names: c.2287-16C>G (NM_001407004.1).
Identifiers: ClinVar variation 2771201 (VCV002771201.3), dbSNP rs2502286437, ClinGen allele CA2697553854.
Genomic context (GRCh38, chr14:23,425,434, plus strand): 5'-CCTCATTTCCTCCAGCAGCCCCAGCAGCCCGGCCTTGAAGAACACCTGCAGGCAAGGTGT[G>C]TGTTGGCCATGACTAGGGAGGGGTACGAGGGAAAGAGATGGTGGGGATTACCTTAGGAAG-3'